The following is an entry in ClinVar:

ClinVar aggregate classification (germline): Uncertain significance. Review status: criteria provided, multiple submitters, no conflicts (2 of 4 stars). 2 submissions from 2 submitters: Uncertain significance (2). Last evaluated 2023-10-13.

Conditions:
Early-infantile DEE. Also called: Early infantile epileptic encephalopathy; Early infantile epileptic encephalopathy with suppression bursts; Ohtahara syndrome. Identifiers: Orphanet 1934, MedGen C0393706, MONDO:0800491.

Allele frequency attached by ClinVar (database versions not stated): gnomAD 0.00001.
gnomAD v4.1: 7 of 1,614,056 alleles (0.00043%); highest among the groups gnomAD compares: African/African-American, 0.0013%; no homozygotes.

Submissions (2):

Labcorp Genetics (formerly Invitae), Labcorp
Classification: Uncertain significance for Early-infantile DEE. Last evaluated: 2023-10-13. Review status: criteria provided, single submitter. Criteria: Invitae Variant Classification Sherloc (09022015). Collection method: clinical testing. Allele origin: germline.
Comment: This sequence change replaces arginine, which is basic and polar, with histidine, which is basic and polar, at codon 1196 of the SPTAN1 protein (p.Arg1196His). This variant is present in population databases (no rsID available, gnomAD 0.01%). This variant has not been reported in the literature in individuals affected with SPTAN1-related conditions. ClinVar contains an entry for this variant (Variation ID: 2149581). Advanced modeling of protein sequence and biophysical properties (such as structural, functional, and spatial information, amino acid conservation, physicochemical variation, residue mobility, and thermodynamic stability) has been performed at Invitae for this missense variant, however the output from this modeling did not meet the statistical confidence thresholds required to predict the impact of this variant on SPTAN1 protein function. In summary, the available evidence is currently insufficient to determine the role of this variant in disease. Therefore, it has been classified as a Variant of Uncertain Significance.

CeGaT Center for Human Genetics Tuebingen
Classification: Uncertain significance. Last evaluated: 2023-09-01. Review status: criteria provided, single submitter. Criteria: CeGaT Center For Human Genetics Tuebingen Variant Classification Criteria Version 2. Collection method: clinical testing. Allele origin: germline. Affected: yes. Observed: 1 variant allele.

NM_001130438.3(SPTAN1):c.3587G>A (p.Arg1196His)

Gene: SPTAN1 (spectrin alpha, non-erythrocytic 1; plus strand). Cytogenetic location: 9q34.11.
Variant type: single nucleotide variant.
Coding change: c.3587G>A on transcript NM_001130438.3 (MANE Select); coding-DNA position 3587, G replaced by A.
Protein change: p.Arg1196His; replaces arginine 1196 with histidine.
Molecular consequence: missense variant.
Genome position (GRCh38, 1-based): chr9:128,603,550, G>A. VCF-style: chr9-128603550-G-A. GRCh37 (hg19) VCF-style: chr9-131365829-G-A.
Other names: c.3527G>A, p.Arg1176His (NM_001195532.2, NM_001363765.2, NM_001375314.2); c.3587G>A, p.Arg1196His (NM_001363759.2, NM_001375310.1, NM_001375311.2 and 2 more transcripts); c.3623G>A, p.Arg1208His (NM_001375312.2, NM_001375318.1); short protein forms R1196H, R1208H, R1176H.
Identifiers: ClinVar variation 2149581 (VCV002149581.28), dbSNP rs781124530, ClinGen allele CA375062814.